The following is an entry in ClinVar:

ClinVar aggregate classification (germline): Uncertain significance. Review status: criteria provided, multiple submitters, no conflicts (2 of 4 stars). 3 submissions from 3 submitters: Uncertain significance (3). Last evaluated 2022-03-15.

Conditions:
Hereditary cancer-predisposing syndrome. Also called: Hereditary neoplastic syndrome; Neoplastic Syndromes, Hereditary; Tumor predisposition; Hereditary Cancer Syndrome. Identifiers: Orphanet 140162, MedGen C0027672, MeSH D009386, MONDO:0015356.
Neurofibromatosis, type 1 (NF1). Also called: VON RECKLINGHAUSEN DISEASE; Peripheral type neurofibromatosis; NEUROFIBROMATOSIS, TYPE I, SOMATIC; Neurofibromatosis, type I. Identifiers: Orphanet 636, MedGen C0027831, MONDO:0018975, OMIM 162200. Disease mechanism: loss of function.

Submissions (3):

Genome-Nilou Lab
Classification: Uncertain significance for Neurofibromatosis, type 1. Last evaluated: 2022-03-15. Review status: criteria provided, single submitter. Criteria: ACMG Guidelines, 2015. Collection method: clinical testing. Allele origin: germline. Affected: no.

Labcorp Genetics (formerly Invitae), Labcorp
Classification: Uncertain significance for Neurofibromatosis, type 1. Last evaluated: 2019-02-22. Review status: criteria provided, single submitter. Criteria: Invitae Variant Classification Sherloc (09022015). Collection method: clinical testing. Allele origin: germline.
Comment: In summary, the available evidence is currently insufficient to determine the role of this variant in disease. Therefore, it has been classified as a Variant of Uncertain Significance. Algorithms developed to predict the effect of missense changes on protein structure and function are either unavailable or do not agree on the potential impact of this missense change (SIFT: "Deleterious"; PolyPhen-2: "Probably Damaging"; Align-GVGD: "Class C0"). This variant has not been reported in the literature in individuals with NF1-related conditions. ClinVar contains an entry for this variant (Variation ID: 481901). This variant is not present in population databases (ExAC no frequency). This sequence change replaces histidine with tyrosine at codon 119 of the NF1 protein (p.His119Tyr). The histidine residue is moderately conserved and there is a moderate physicochemical difference between histidine and tyrosine.

Ambry Genetics
Classification: Uncertain significance for Hereditary cancer-predisposing syndrome. Last evaluated: 2016-02-26. Review status: criteria provided, single submitter. Criteria: Ambry Autosomal Dominant and X-Linked criteria (10/2015). Collection method: clinical testing. Allele origin: germline. Observed: 1 variant allele.
Comment: The p.H119Y variant (also known as c.355C>T), located in coding exon 4 of the NF1 gene, results from a C to T substitution at nucleotide position 355. The histidine at codon 119 is replaced by tyrosine, an amino acid with similar properties. This variant was not reported in population based cohorts in the following databases: Database of Single Nucleotide Polymorphisms (dbSNP), NHLBI Exome Sequencing Project (ESP), and 1000 Genomes Project. In the ESP, this variant was not observed in 6503 samples (13006 alleles) with coverage at this position. To date, this alteration has been detected with an allele frequency of approximately 0.001% (greater than 110000 alleles tested) in our clinical cohort.This amino acid position is highly conserved in available vertebrate species. In addition, the in silico prediction for this alteration is inconclusive.Since supporting evidence is limited at this time, the clinical significance of this alterationremains unclear.

NM_001042492.3(NF1):c.355C>T (p.His119Tyr)

Gene: NF1 (neurofibromin 1; plus strand). Cytogenetic location: 17q11.2.
Variant type: single nucleotide variant.
Coding change: c.355C>T on transcript NM_001042492.3 (MANE Select); coding-DNA position 355, C replaced by T.
Protein change: p.His119Tyr; replaces histidine 119 with tyrosine.
Molecular consequence: missense variant.
Genome position (GRCh38, 1-based): chr17:31,163,252, C>T. VCF-style: chr17-31163252-C-T. GRCh37 (hg19) VCF-style: chr17-29490270-C-T.
Other names: c.355C>T, p.His119Tyr (NM_000267.4, NM_001128147.3); short protein forms H119Y.
Identifiers: ClinVar variation 481901 (VCV000481901.11), dbSNP rs1555606066, ClinGen allele CA398981774.